The following is an entry in ClinVar:

NM_017882.3(CLN6):c.446G>A (p.Arg149His)

Gene: CLN6 (CLN6 transmembrane ER protein; minus strand). Cytogenetic location: 15q23.
Variant type: single nucleotide variant.
Coding change: c.446G>A on transcript NM_017882.3 (MANE Select); coding-DNA position 446, G replaced by A.
Protein change: p.Arg149His; replaces arginine 149 with histidine.
Molecular consequence: missense variant.
Genome position (GRCh38, 1-based): chr15:68,211,715, C>T on the plus strand (G>A on the coding strand, the complement: CLN6 is on the minus strand). VCF-style: chr15-68211715-C-T. GRCh37 (hg19) VCF-style: chr15-68504053-C-T.
Other names: short protein forms R149H.
Identifiers: ClinVar variation 68096 (VCV000068096.10), dbSNP rs154774638, ClinGen allele CA284818.

ClinVar aggregate classification (germline): Uncertain significance. Review status: criteria provided, multiple submitters, no conflicts (2 of 4 stars). 6 submissions from 6 submitters: Uncertain significance (4). 2 of the submissions do not count toward it. Last evaluated 2025-12-31.

Conditions:
Ceroid lipofuscinosis, neuronal, 6A. Also called: Neuronal ceroid lipofuscinosis, late infantile, variant; Neuronal ceroid lipofuscinosis, Gypsy/Indian early juvenile variant; Neuronal ceroid lipofuscinosis 6; CLN6-Related Neuronal Ceroid-Lipofuscinosis. Identifiers: Orphanet 168491, Orphanet 228363, MedGen C5551375, MONDO:0011144, OMIM 601780.
Ceroid lipofuscinosis, neuronal, 6B (Kufs type). Also called: Neuronal ceroid lipofuscinosis 4A. Identifiers: Orphanet 700477, MedGen C5561927, MONDO:0008768, OMIM 204300.
Neuronal ceroid lipofuscinosis. Also called: Neuronal Ceroid Lipofuscinoses. Identifiers: Orphanet 216, Orphanet 79263, MedGen C0027877, MONDO:0016295. Disease mechanism: loss of function.

Allele frequency attached by ClinVar (database versions not stated): ExAC 0.00002; TOPMed 0.00002; gnomAD 0.00003; gnomAD exomes 0.00003.

Submissions (6):

GeneDx
Classification: Uncertain significance. Last evaluated: 2025-12-31. Review status: criteria provided, single submitter. Criteria: GeneDx Variant Classification Process June 2021. Collection method: clinical testing. Allele origin: germline. Affected: yes.
Comment: Not observed at significant frequency in large population cohorts (gnomAD); In silico analysis supports that this missense variant has a deleterious effect on protein structure/function; This variant is associated with the following publications: (PMID: 32171521, 21990111, 30561534, 21549341)

Labcorp Genetics (formerly Invitae), Labcorp
Classification: Uncertain significance for Neuronal ceroid lipofuscinosis. Last evaluated: 2024-11-19. Review status: criteria provided, single submitter. Criteria: Invitae Variant Classification Sherloc (09022015). Collection method: clinical testing. Allele origin: germline.
Comment: This sequence change replaces arginine, which is basic and polar, with histidine, which is basic and polar, at codon 149 of the CLN6 protein (p.Arg149His). This variant is present in population databases (rs154774638, gnomAD 0.007%). This missense change has been observed in individual(s) with neuronal ceroid lipofuscinosis (PMID: 21549341). ClinVar contains an entry for this variant (Variation ID: 68096). Invitae Evidence Modeling of protein sequence and biophysical properties (such as structural, functional, and spatial information, amino acid conservation, physicochemical variation, residue mobility, and thermodynamic stability) indicates that this missense variant is not expected to disrupt CLN6 protein function with a negative predictive value of 80%. Experimental studies are conflicting or provide insufficient evidence to determine the effect of this variant on CLN6 function (PMID: 32171521). This variant disrupts the p.Arg149 amino acid residue in CLN6. Other variant(s) that disrupt this residue have been observed in individuals with CLN6-related conditions (PMID: 21549341, 21990111), which suggests that this may be a clinically significant amino acid residue. In summary, the available evidence is currently insufficient to determine the role of this variant in disease. Therefore, it has been classified as a Variant of Uncertain Significance.

Department of Pathology and Laboratory Medicine, Sinai Health System
Classification: Uncertain significance for neuronal ceroid lipofuscinosis. Last evaluated: 2022-05-06. Review status: criteria provided, single submitter. Criteria: ACMG Guidelines, 2015. Collection method: research. Allele origin: germline.

Fulgent Genetics
Classification: Uncertain significance for Ceroid lipofuscinosis, neuronal, 6B (Kufs type); Ceroid lipofuscinosis, neuronal, 6A. Last evaluated: 2021-11-03. Review status: criteria provided, single submitter. Criteria: ACMG Guidelines, 2015. Collection method: clinical testing. Allele origin: unknown.

Counsyl
Classification: Uncertain significance for Ceroid lipofuscinosis, neuronal, 6A. Last evaluated: 2017-01-09. Review status: no assertion criteria provided. Collection method: clinical testing. Allele origin: unknown. Not counted in ClinVar's aggregate classification.

SNPedia
No classification provided. Review status: no classification provided. Collection method: not provided. Allele origin: germline. Not counted in ClinVar's aggregate classification.
Comment: Kufs Type A disease

Literature cited by the submitters: PubMed 21549341 (cited by Labcorp Genetics (formerly Invitae), Labcorp and Counsyl); PubMed 32171521 (cited by Labcorp Genetics (formerly Invitae), Labcorp); PubMed 21990111 (cited by Labcorp Genetics (formerly Invitae), Labcorp).